The following is an entry in ClinVar:

ClinVar aggregate classification (germline): Uncertain significance (1 of 4 stars; one submission).

Conditions:
Hereditary cancer-predisposing syndrome. Also called: Neoplastic Syndromes, Hereditary; Tumor predisposition; Hereditary neoplastic syndrome; Hereditary Cancer Syndrome. Identifiers: Orphanet 140162, MedGen C0027672, MeSH D009386, MONDO:0015356.

Submission:

Ambry Genetics
Classification: Uncertain significance for Hereditary cancer-predisposing syndrome. Last evaluated: 2024-03-19. Review status: criteria provided, single submitter. Criteria: Ambry Variant Classification Scheme 2023. Collection method: clinical testing. Allele origin: germline.
Comment: The p.E1062D variant (also known as c.3186G>C), located in coding exon 21 of the RAD50 gene, results from a G to C substitution at nucleotide position 3186. The glutamic acid at codon 1062 is replaced by aspartic acid, an amino acid with highly similar properties. This amino acid position is conserved. In addition, this alteration is predicted to be tolerated by in silico analysis. Based on the available evidence, the clinical significance of this alteration remains unclear.

NM_005732.4(RAD50):c.3186G>C (p.Glu1062Asp)

Gene: RAD50 (RAD50 double strand break repair protein; plus strand). Cytogenetic location: 5q31.1.
Variant type: single nucleotide variant.
Coding change: c.3186G>C on transcript NM_005732.4 (MANE Select); coding-DNA position 3186, G replaced by C.
Protein change: p.Glu1062Asp; replaces glutamic acid 1062 with aspartic acid.
Molecular consequence: missense variant.
Genome position (GRCh38, 1-based): chr5:132,618,091, G>C. VCF-style: chr5-132618091-G-C. GRCh37 (hg19) VCF-style: chr5-131953783-G-C.
Other names: short protein forms E1062D.
Identifiers: ClinVar variation 3312300 (VCV003312300.1).